The following is an entry in ClinVar:

ClinVar aggregate classification (germline): Uncertain significance. Review status: criteria provided, multiple submitters, no conflicts (2 of 4 stars). 4 submissions from 4 submitters: Uncertain significance (4). Last evaluated 2025-11-08.

Conditions:
POLE-related disorder. Also called: POLE-related disorders; POLE-related condition.
Hereditary cancer-predisposing syndrome. Also called: Hereditary Cancer Syndrome; Hereditary neoplastic syndrome; Neoplastic Syndromes, Hereditary; Tumor predisposition. Identifiers: Orphanet 140162, MedGen C0027672, MeSH D009386, MONDO:0015356.

Allele frequency attached by ClinVar (database versions not stated): gnomAD exomes 0.00001.
gnomAD v4.1: 17 of 1,613,890 alleles (0.0011%); highest among the groups gnomAD compares: Non-Finnish European, 0.0012%; no homozygotes.

Submissions (4):

Ambry Genetics
Classification: Uncertain significance for Hereditary cancer-predisposing syndrome. Last evaluated: 2025-11-08. Review status: criteria provided, single submitter. Criteria: Ambry Variant Classification Scheme 2023. Collection method: clinical testing. Allele origin: germline.
Comment: The p.V1555I variant (also known as c.4663G>A), located in coding exon 36 of the POLE gene, results from a G to A substitution at nucleotide position 4663. The valine at codon 1555 is replaced by isoleucine, an amino acid with highly similar properties. This amino acid position is conserved. In addition, this alteration is predicted to be tolerated by in silico analysis. Since supporting evidence is limited at this time, the clinical significance of this alteration remains unclear.

Labcorp Genetics (formerly Invitae), Labcorp
Classification: Uncertain significance. Last evaluated: 2025-01-19. Review status: criteria provided, single submitter. Criteria: Invitae Variant Classification Sherloc (09022015). Collection method: clinical testing. Allele origin: germline.
Comment: This sequence change replaces valine, which is neutral and non-polar, with isoleucine, which is neutral and non-polar, at codon 1555 of the POLE protein (p.Val1555Ile). This variant is not present in population databases (gnomAD no frequency). This variant has not been reported in the literature in individuals affected with POLE-related conditions. ClinVar contains an entry for this variant (Variation ID: 405661). Invitae Evidence Modeling of protein sequence and biophysical properties (such as structural, functional, and spatial information, amino acid conservation, physicochemical variation, residue mobility, and thermodynamic stability) indicates that this missense variant is not expected to disrupt POLE protein function with a negative predictive value of 80%. In summary, the available evidence is currently insufficient to determine the role of this variant in disease. Therefore, it has been classified as a Variant of Uncertain Significance.

GeneDx
Classification: Uncertain significance. Last evaluated: 2024-04-09. Review status: criteria provided, single submitter. Criteria: GeneDx Variant Classification Process June 2021. Collection method: clinical testing. Allele origin: germline. Affected: yes.
Comment: Not observed at significant frequency in large population cohorts (gnomAD); In silico analysis indicates that this missense variant does not alter protein structure/function; Identified in a patient with unspecified cancer in published literature (PMID: 28873162); This variant is associated with the following publications: (PMID: 28873162)

PreventionGenetics, part of Exact Sciences
Classification: Uncertain significance for POLE-related condition. Last evaluated: 2023-05-11. Review status: criteria provided, single submitter. Criteria: ACMG Guidelines, 2015. Collection method: clinical testing. Allele origin: germline.
Comment: The POLE c.4663G>A variant is predicted to result in the amino acid substitution p.Val1555Ile. To our knowledge, this variant has not been reported in the literature or in a large population database, indicating this variant is rare. At this time, the clinical significance of this variant is uncertain due to the absence of conclusive functional and genetic evidence.

NM_006231.4(POLE):c.4663G>A (p.Val1555Ile)

Gene: POLE (DNA polymerase epsilon, catalytic subunit; minus strand). Cytogenetic location: 12q24.33.
Variant type: single nucleotide variant.
Coding change: c.4663G>A on transcript NM_006231.4 (MANE Select); coding-DNA position 4663, G replaced by A.
Protein change: p.Val1555Ile; replaces valine 1555 with isoleucine.
Molecular consequence: missense variant.
Genome position (GRCh38, 1-based): chr12:132,642,885, C>T on the plus strand (G>A on the coding strand, the complement: POLE is on the minus strand). VCF-style: chr12-132642885-C-T. GRCh37 (hg19) VCF-style: chr12-133219471-C-T.
Other names: short protein forms V1555I.
Identifiers: ClinVar variation 405661 (VCV000405661.14), dbSNP rs1060500799, ClinGen allele CA16613837.